The following is an entry in ClinVar:

NM_000206.3(IL2RG):c.424G>C (p.Ala142Pro)

Gene: IL2RG (interleukin 2 receptor subunit gamma; minus strand). Cytogenetic location: Xq13.1.
Variant type: single nucleotide variant.
Coding change: c.424G>C on transcript NM_000206.3 (MANE Select); coding-DNA position 424, G replaced by C.
Protein change: p.Ala142Pro; replaces alanine 142 with proline.
Molecular consequence: missense variant.
Genome position (GRCh38, 1-based): chrX:71,110,534, C>G on the plus strand (G>C on the coding strand, the complement: IL2RG is on the minus strand). VCF-style: chrX-71110534-C-G. GRCh37 (hg19) VCF-style: chrX-70330384-C-G.
Other names: c.424G>C, p.Ala142Pro (NM_001438870.1); short protein forms A142P.
Identifiers: ClinVar variation 4709748 (VCV004709748.1).

ClinVar aggregate classification (germline): Uncertain significance (1 of 4 stars; one submission).

Conditions:
X-linked severe combined immunodeficiency (SCIDX1). Also called: IMMUNODEFICIENCY 4; SCID, X-LINKED; SEVERE COMBINED IMMUNODEFICIENCY, X-LINKED, T CELL-NEGATIVE, B CELL-POSITIVE, NK CELL-NEGATIVE; X-Linked Combined Immunodeficiency Diseases; T-B+ severe combined immunodeficiency due to gamma chain deficiency. Identifiers: Orphanet 276, MedGen C6022468, MONDO:0010315, OMIM 300400. Disease mechanism: loss of function.

Submission:

Labcorp Genetics (formerly Invitae), Labcorp
Classification: Uncertain significance for X-linked severe combined immunodeficiency. Last evaluated: 2025-08-12. Review status: criteria provided, single submitter. Criteria: Invitae Variant Classification Sherloc (09022015). Collection method: clinical testing. Allele origin: germline.
Comment: This sequence change replaces alanine, which is neutral and non-polar, with proline, which is neutral and non-polar, at codon 142 of the IL2RG protein (p.Ala142Pro). This variant is not present in population databases (gnomAD no frequency). This variant has not been reported in the literature in individuals affected with IL2RG-related conditions. Invitae Evidence Modeling of protein sequence and biophysical properties (such as structural, functional, and spatial information, amino acid conservation, physicochemical variation, residue mobility, and thermodynamic stability) indicates that this missense variant is not expected to disrupt IL2RG protein function with a negative predictive value of 95%. In summary, the available evidence is currently insufficient to determine the role of this variant in disease. Therefore, it has been classified as a Variant of Uncertain Significance.